The following is an entry in ClinVar:

NM_020919.4(ALS2):c.641T>G (p.Leu214Ter)

Gene: ALS2 (alsin Rho guanine nucleotide exchange factor ALS2; minus strand). Cytogenetic location: 2q33.1.
Variant type: single nucleotide variant.
Coding change: c.641T>G on transcript NM_020919.4 (MANE Select); coding-DNA position 641, T replaced by G.
Protein change: p.Leu214Ter; replaces leucine 214 with a stop codon.
Molecular consequence: nonsense.
Genome position (GRCh38, 1-based): chr2:201,761,353, A>C on the plus strand (T>G on the coding strand, the complement: ALS2 is on the minus strand). VCF-style: chr2-201761353-A-C. GRCh37 (hg19) VCF-style: chr2-202626076-A-C.
Other names: c.641T>G, p.Leu214Ter (NM_001135745.2, NM_001410975.1); short protein forms L214*.
Identifiers: ClinVar variation 2822022 (VCV002822022.3), dbSNP rs767032589, ClinGen allele CA350328419.

ClinVar aggregate classification (germline): Pathogenic (1 of 4 stars; one submission).

Conditions:
Infantile-onset ascending hereditary spastic paralysis (IAHSP). Also called: Autosomal Recessive Juvenile Amyotrophic Lateral Sclerosis; Infantile-Onset Ascending Hereditary Spastic Paralysis (IAHSP). Identifiers: Orphanet 293168, MedGen C2931441, MONDO:0011797, OMIM 607225. Disease mechanism: loss of function.

Submission:

Labcorp Genetics (formerly Invitae), Labcorp
Classification: Pathogenic for Infantile-onset ascending hereditary spastic paralysis. Last evaluated: 2023-12-05. Review status: criteria provided, single submitter. Criteria: Invitae Variant Classification Sherloc (09022015). Collection method: clinical testing. Allele origin: germline.
Comment: This sequence change creates a premature translational stop signal (p.Leu214*) in the ALS2 gene. It is expected to result in an absent or disrupted protein product. Loss-of-function variants in ALS2 are known to be pathogenic (PMID: 11586298, 24315819). This variant is not present in population databases (gnomAD no frequency). This variant has not been reported in the literature in individuals affected with ALS2-related conditions. For these reasons, this variant has been classified as Pathogenic.

Literature cited by the submitters: PubMed 11586298; PubMed 24315819.